The following is an entry in ClinVar:

ClinVar aggregate classification (germline): Uncertain significance (1 of 4 stars; one submission).

Allele frequency attached by ClinVar (database versions not stated): gnomAD exomes below 0.00001.
gnomAD v4.1: 1 of 1,552,104 alleles (0.000064%); highest among the groups gnomAD compares: South Asian, 0.0012%; no homozygotes.

Submission:

Labcorp Genetics (formerly Invitae), Labcorp
Classification: Uncertain significance. Last evaluated: 2022-08-10. Review status: criteria provided, single submitter. Criteria: Invitae Variant Classification Sherloc (09022015). Collection method: clinical testing. Allele origin: germline.
Comment: In summary, the available evidence is currently insufficient to determine the role of this variant in disease. Therefore, it has been classified as a Variant of Uncertain Significance. Algorithms developed to predict the effect of missense changes on protein structure and function are either unavailable or do not agree on the potential impact of this missense change (SIFT: "Tolerated"; PolyPhen-2: "Probably Damaging"; Align-GVGD: "Class C0"). This variant has not been reported in the literature in individuals affected with KPNA7-related conditions. This variant is not present in population databases (gnomAD no frequency). This sequence change replaces leucine, which is neutral and non-polar, with phenylalanine, which is neutral and non-polar, at codon 369 of the KPNA7 protein (p.Leu369Phe).

NM_001145715.3(KPNA7):c.1107G>T (p.Leu369Phe)

Gene: KPNA7 (karyopherin subunit alpha 7; minus strand). Cytogenetic location: 7q22.1.
Variant type: single nucleotide variant.
Coding change: c.1107G>T on transcript NM_001145715.3 (MANE Select); coding-DNA position 1107, G replaced by T.
Protein change: p.Leu369Phe; replaces leucine 369 with phenylalanine.
Molecular consequence: missense variant.
Genome position (GRCh38, 1-based): chr7:99,184,956, C>A on the plus strand (G>T on the coding strand, the complement: KPNA7 is on the minus strand). VCF-style: chr7-99184956-C-A. GRCh37 (hg19) VCF-style: chr7-98782579-C-A.
Other names: short protein forms L369F.
Identifiers: ClinVar variation 2184395 (VCV002184395.4), dbSNP rs1789497531, ClinGen allele CA368419109.